The following is an entry in ClinVar:

ClinVar aggregate classification (germline): Pathogenic (1 of 4 stars; one submission).

Conditions:
Legius syndrome. Identifiers: Orphanet 137605, MedGen C1969623, MONDO:0012669, OMIM 611431. Disease mechanism: loss of function.

Submission:

Labcorp Genetics (formerly Invitae), Labcorp
Classification: Pathogenic for Legius syndrome. Last evaluated: 2022-10-04. Review status: criteria provided, single submitter. Criteria: Invitae Variant Classification Sherloc (09022015). Collection method: clinical testing. Allele origin: germline.
Comment: For these reasons, this variant has been classified as Pathogenic. This variant has not been reported in the literature in individuals affected with SPRED1-related conditions. This sequence change creates a premature translational stop signal (p.Arg117Glnfs*7) in the SPRED1 gene. It is expected to result in an absent or disrupted protein product. Loss-of-function variants in SPRED1 are known to be pathogenic (PMID: 17704776). This variant is not present in population databases (gnomAD no frequency).

Literature cited by the submitters: PubMed 17704776.

NM_152594.3(SPRED1):c.342_349dup (p.Arg117fs)

Gene: SPRED1 (sprouty related EVH1 domain containing 1; plus strand). Cytogenetic location: 15q14.
Variant type: Duplication.
Coding change: c.342_349dup on transcript NM_152594.3 (MANE Select); coding-DNA positions 342 to 349, 8 bases duplicated (AGGTATCC; older notation c.342_349dupAGGTATCC).
Protein change: p.Arg117fs; shifts the reading frame from arginine 117.
Molecular consequence: frameshift variant.
Genome position (GRCh38, 1-based): chr15:38,322,375-38,322,382, AGGTATCC duplicated. VCF-style (leftmost placement, unchanged base first): chr15-38322374-G-GAGGTATCC. GRCh37 (hg19) VCF-style: chr15-38614575-G-GAGGTATCC.
Other names: short protein forms R117fs.
Identifiers: ClinVar variation 2034116 (VCV002034116.4), dbSNP rs2542695902, ClinGen allele CA2580089305.
Genomic context (GRCh38, chr15:38,322,374, plus strand): 5'-TTGATGACAAGAAGTTTGGTCTTACGTTTCAAAGTCCTGCTGATGCTAGGGCTTTTGATA[G>GAGGTATCC]AGGTATCCGAAGAGCTATAGAGGATATTTCTCAAGGTAGGTATTCTTGACTATTTTCTTA-3'